The following is an entry in ClinVar:

NM_005045.4(RELN):c.189C>A (p.Gly63=)

Gene: RELN (reelin; minus strand). Cytogenetic location: 7q22.1.
Variant type: single nucleotide variant.
Coding change: c.189C>A on transcript NM_005045.4 (MANE Select); coding-DNA position 189, C replaced by A.
Protein change: p.Gly63=; no amino-acid change (glycine 63 retained).
Molecular consequence: synonymous variant.
Genome position (GRCh38, 1-based): chr7:103,989,168, G>T on the plus strand (C>A on the coding strand, the complement: RELN is on the minus strand). VCF-style: chr7-103989168-G-T. GRCh37 (hg19) VCF-style: chr7-103629615-G-T.
Other names: c.189C>A, p.Gly63= (NM_173054.3).
Identifiers: ClinVar variation 1094076 (VCV001094076.14), dbSNP rs370805443, ClinGen allele CA4422705.

ClinVar aggregate classification (germline): Likely benign. Review status: criteria provided, multiple submitters, no conflicts (2 of 4 stars). 3 submissions from 3 submitters: Likely benign (3). Last evaluated 2026-02-01.

Conditions:
Norman-Roberts syndrome (LIS2). Also called: Lissencephaly 2 (Norman-Roberts type). Identifiers: Orphanet 89844, MedGen C0796089, MONDO:0009760, OMIM 257320.
Familial temporal lobe epilepsy 7. Identifiers: Orphanet 101046, MedGen C4225327, MONDO:0014639, OMIM 616436.

Allele frequency attached by ClinVar (database versions not stated): gnomAD 0.00001; ExAC 0.00017.
gnomAD v4.1: 95 of 1,613,966 alleles (0.0059%); highest among the groups gnomAD compares: South Asian, 0.094%; no homozygotes.

Submissions (3):

CeGaT Center for Human Genetics Tuebingen
Classification: Likely benign. Last evaluated: 2026-02-01. Review status: criteria provided, single submitter. Criteria: CeGaT Center For Human Genetics Tuebingen Variant Classification Criteria Version 2. Collection method: clinical testing. Allele origin: germline. Affected: yes. Observed: 1 variant allele.
Comment: RELN: BP4, BP7

Labcorp Genetics (formerly Invitae), Labcorp
Classification: Likely benign for Familial temporal lobe epilepsy 7; Norman-Roberts syndrome. Last evaluated: 2024-10-22. Review status: criteria provided, single submitter. Criteria: Invitae Variant Classification Sherloc (09022015). Collection method: clinical testing. Allele origin: germline.

Blueprint Genetics
Classification: Likely benign. Last evaluated: 2024-07-11. Review status: criteria provided, single submitter. Criteria: ACMG Guidelines, 2015. Collection method: clinical testing. Allele origin: germline.